The following is an entry in ClinVar:

NM_001080517.3(SETD5):c.2426A>G (p.Tyr809Cys)

Gene: SETD5 (SET domain containing 5; plus strand). Cytogenetic location: 3p25.3.
Variant type: single nucleotide variant.
Coding change: c.2426A>G on transcript NM_001080517.3 (MANE Select); coding-DNA position 2426, A replaced by G.
Protein change: p.Tyr809Cys; replaces tyrosine 809 with cysteine.
Molecular consequence: missense variant.
Genome position (GRCh38, 1-based): chr3:9,453,818, A>G. VCF-style: chr3-9453818-A-G. GRCh37 (hg19) VCF-style: chr3-9495502-A-G.
Other names: c.2132A>G, p.Tyr711Cys (NM_001292043.2, NM_001349451.2); short protein forms Y711C, Y809C.
Identifiers: ClinVar variation 1696166 (VCV001696166.6), dbSNP rs1270531724, ClinGen allele CA351703781.
Genomic context (GRCh38, chr3:9,453,818, plus strand): 5'-TAGAAGAAGGGATGACTCAAACATCATCTGTACCCCAAGAGACTAGAACTCAGCACCTAT[A>G]CCAAAGCAATGAGAATAGTAGCTCTTCTAGTATCTGCAAAGACAATGCAGGTACGTATCT-3'
Protein context (NP_001073986.1, residues 799-819): VPQETRTQHL[Tyr809Cys]QSNENSSSSS

ClinVar aggregate classification (germline): Conflicting classifications of pathogenicity. Review status: criteria provided, conflicting classifications (1 of 4 stars). 2 submissions from 2 submitters: Uncertain significance (1); Likely benign (1). Last evaluated 2025-05-11.

Allele frequency attached by ClinVar (database versions not stated): gnomAD exomes 0.00001 and 0.00003; TOPMed 0.00005; gnomAD 0.00009 and 0.00010.
gnomAD v4.1: 22 of 1,606,466 alleles (0.0014%); highest among the groups gnomAD compares: Admixed American, 0.038%; no homozygotes.

Submissions (2):

Labcorp Genetics (formerly Invitae), Labcorp
Classification: Likely benign. Last evaluated: 2025-05-11. Review status: criteria provided, single submitter. Criteria: Invitae Variant Classification Sherloc (09022015). Collection method: clinical testing. Allele origin: germline.

Women's Health and Genetics/Laboratory Corporation of America, LabCorp
Classification: Uncertain significance. Last evaluated: 2022-05-19. Review status: criteria provided, single submitter. Criteria: LabCorp Variant Classification Summary - May 2015. Collection method: clinical testing. Allele origin: germline.
Comment: Variant summary: SETD5 c.2426A>G (p.Tyr809Cys) results in a non-conservative amino acid change in the encoded protein sequence. Four of five in-silico tools predict a damaging effect of the variant on protein function. The variant allele was found at a frequency of 3.3e-05 in 241524 control chromosomes. The available data on variant occurrences in the general population are insufficient to allow any conclusion about variant significance. To our knowledge, no occurrence of c.2426A>G in individuals affected with Mental Retardation, Autosomal Dominant 23 and no experimental evidence demonstrating its impact on protein function have been reported. No clinical diagnostic laboratories have submitted clinical-significance assessments for this variant to ClinVar after 2014. Based on the evidence outlined above, the variant was classified as uncertain significance.